The following is an entry in ClinVar:

NM_207352.4(CYP4V2):c.217T>G (p.Phe73Val)

Gene: CYP4V2 (cytochrome P450 family 4 subfamily V member 2; plus strand). Cytogenetic location: 4q35.1.
Variant type: single nucleotide variant.
Coding change: c.217T>G on transcript NM_207352.4 (MANE Select); coding-DNA position 217, T replaced by G.
Protein change: p.Phe73Val; replaces phenylalanine 73 with valine.
Molecular consequence: missense variant.
Genome position (GRCh38, 1-based): chr4:186,194,502, T>G. VCF-style: chr4-186194502-T-G. GRCh37 (hg19) VCF-style: chr4-187115656-T-G.
Other names: short protein forms F73V.
Identifiers: ClinVar variation 1515785 (VCV001515785.6), dbSNP rs751069999, ClinGen allele CA3162475.

ClinVar aggregate classification (germline): Uncertain significance (1 of 4 stars; one submission).

Allele frequency attached by ClinVar (database versions not stated): gnomAD 0.00001; ExAC 0.00002; gnomAD exomes 0.00002; TOPMed 0.00002.
gnomAD v4.1: 8 of 1,613,780 alleles (0.0005%); highest among the groups gnomAD compares: Admixed American, 0.012%; no homozygotes.

Submission:

Labcorp Genetics (formerly Invitae), Labcorp
Classification: Uncertain significance. Last evaluated: 2022-11-08. Review status: criteria provided, single submitter. Criteria: Invitae Variant Classification Sherloc (09022015). Collection method: clinical testing. Allele origin: germline.
Comment: In summary, the available evidence is currently insufficient to determine the role of this variant in disease. Therefore, it has been classified as a Variant of Uncertain Significance. This variant disrupts the p.Phe73 amino acid residue in CYP4V2. Other variant(s) that disrupt this residue have been determined to be pathogenic (PMID: 24739949). This suggests that this residue is clinically significant, and that variants that disrupt this residue are likely to be disease-causing. Algorithms developed to predict the effect of sequence changes on RNA splicing suggest that this variant may create or strengthen a splice site. Algorithms developed to predict the effect of missense changes on protein structure and function are either unavailable or do not agree on the potential impact of this missense change (SIFT: "Deleterious"; PolyPhen-2: "Possibly Damaging"; Align-GVGD: "Class C0"). ClinVar contains an entry for this variant (Variation ID: 1515785). This variant has not been reported in the literature in individuals affected with CYP4V2-related conditions. The frequency data for this variant in the population databases is considered unreliable, as metrics indicate poor data quality at this position in the gnomAD database. This sequence change replaces phenylalanine, which is neutral and non-polar, with valine, which is neutral and non-polar, at codon 73 of the CYP4V2 protein (p.Phe73Val).

Literature cited by the submitters: PubMed 24739949.